The following is an entry in ClinVar:

ClinVar aggregate classification (germline): Benign. Review status: criteria provided, multiple submitters, no conflicts (2 of 4 stars). 5 submissions from 5 submitters: Benign (4). 1 of the submissions does not count toward it. Last evaluated 2026-02-04.

Conditions:
Methylmalonic acidemia (MMA). Also called: Isolated Methylmalonic Acidemia. Identifiers: MedGen C0268583, MeSH C537358, MONDO:0002012, HP:0002912.
Combined malonic and methylmalonic acidemia. Identifiers: Orphanet 289504, MedGen C3280314, MONDO:0013661, OMIM 614265.

Allele frequency attached by ClinVar (database versions not stated): ESP Exome Variant Server 0.02845; TOPMed 0.03409; gnomAD 0.03850 and 0.03964; gnomAD exomes 0.04998; ExAC 0.05125; 1000 Genomes Project 30x 0.05309; 1000 Genomes Project 0.05631.
gnomAD v4.1: 73,528 of 1,603,766 alleles (4.6%); highest among the groups gnomAD compares: East Asian, 12%; 2,120 homozygotes.

Submissions (5):

Labcorp Genetics (formerly Invitae), Labcorp
Classification: Benign for Combined malonic and methylmalonic acidemia. Last evaluated: 2026-02-04. Review status: criteria provided, single submitter. Criteria: Invitae Variant Classification Sherloc (09022015). Collection method: clinical testing. Allele origin: germline.

Mayo Clinic Laboratories, Mayo Clinic
Classification: Benign. Last evaluated: 2023-07-26. Review status: criteria provided, single submitter. Criteria: ACMG Guidelines, 2015. Collection method: clinical testing. Allele origin: germline. Observed: 7 variant alleles.

GeneDx
Classification: Benign. Last evaluated: 2013-08-06. Review status: criteria provided, single submitter. Criteria: GeneDx Variant Classification (06012015). Collection method: clinical testing. Allele origin: germline. Affected: yes.
Comment: This variant is considered likely benign or benign based on one or more of the following criteria: it is a conservative change, it occurs at a poorly conserved position in the protein, it is predicted to be benign by multiple in silico algorithms, and/or has population frequency not consistent with disease.

Breakthrough Genomics
Classification: Benign. Review status: criteria provided, single submitter. Criteria: ACMG Guidelines, 2015. Collection method: not provided. Allele origin: germline. Inheritance: Unknown mechanism. Affected: yes.

Natera, Inc.
Classification: Benign for Methylmalonic acidemia. Last evaluated: 2020-09-16. Review status: no assertion criteria provided. Collection method: clinical testing. Allele origin: germline. Not counted in ClinVar's aggregate classification.

NM_001243279.3(ACSF3):c.49G>C (p.Ala17Pro)

Gene: ACSF3 (acyl-CoA synthetase family member 3; plus strand). Cytogenetic location: 16q24.3.
Variant type: single nucleotide variant.
Coding change: c.49G>C on transcript NM_001243279.3 (MANE Select); coding-DNA position 49, G replaced by C.
Protein change: p.Ala17Pro; replaces alanine 17 with proline.
Molecular consequence: missense variant. On other transcripts: non-coding transcript variant (3), intron variant (1).
Genome position (GRCh38, 1-based): chr16:89,100,730, G>C. VCF-style: chr16-89100730-G-C. GRCh37 (hg19) VCF-style: chr16-89167138-G-C.
Other names: p.A17P:GCG>CCG; c.49G>C, p.Ala17Pro (NM_001127214.4, NM_174917.5); c.-129-1874G>C (NM_001284316.2); short protein forms A17P.
Identifiers: ClinVar variation 136270 (VCV000136270.13), dbSNP rs11547019, ClinGen allele CA289270.